The following is an entry in ClinVar:

NM_001015880.2(PAPSS2):c.49A>G (p.Asn17Asp)

Gene: PAPSS2 (3'-phosphoadenosine 5'-phosphosulfate synthase 2; plus strand). Cytogenetic location: 10q23.31.
Variant type: single nucleotide variant.
Coding change: c.49A>G on transcript NM_001015880.2 (MANE Select); coding-DNA position 49, A replaced by G.
Protein change: p.Asn17Asp; replaces asparagine 17 with aspartic acid.
Molecular consequence: missense variant.
Genome position (GRCh38, 1-based): chr10:87,709,217, A>G. VCF-style: chr10-87709217-A-G. GRCh37 (hg19) VCF-style: chr10-89468974-A-G.
Other names: c.49A>G, p.Asn17Asp (NM_004670.4); short protein forms N17D.
Identifiers: ClinVar variation 2051085 (VCV002051085.2), dbSNP rs370332296, ClinGen allele CA5589335.

ClinVar aggregate classification (germline): Uncertain significance. Review status: criteria provided, multiple submitters, no conflicts (2 of 4 stars). 2 submissions from 2 submitters: Uncertain significance (2). Last evaluated 2022-07-27.

Conditions:
Spondyloepimetaphyseal dysplasia, PAPSS2 type. Also called: SEMD, PAKISTANI TYPE; BRACHYOLMIA TYPE 4 WITH MILD EPIPHYSEAL AND METAPHYSEAL CHANGES; SPONDYLODYSPLASIA AND PREMATURE PUBARCHE. Identifiers: Orphanet 93282, MedGen C2748516, MONDO:0019666, OMIM 612847.

Allele frequency attached by ClinVar (database versions not stated): ESP Exome Variant Server 0.00008; TOPMed 0.00009.
gnomAD v4.1: 15 of 1,612,736 alleles (0.00093%); highest among the groups gnomAD compares: African/African-American, 0.017%; no homozygotes.

Submissions (2):

Labcorp Genetics (formerly Invitae), Labcorp
Classification: Uncertain significance for Spondyloepimetaphyseal dysplasia, PAPSS2 type. Last evaluated: 2022-07-27. Review status: criteria provided, single submitter. Criteria: Invitae Variant Classification Sherloc (09022015). Collection method: clinical testing. Allele origin: germline.
Comment: This sequence change replaces asparagine, which is neutral and polar, with aspartic acid, which is acidic and polar, at codon 17 of the PAPSS2 protein (p.Asn17Asp). This variant is present in population databases (rs370332296, gnomAD 0.01%). This variant has not been reported in the literature in individuals affected with PAPSS2-related conditions. Algorithms developed to predict the effect of missense changes on protein structure and function are either unavailable or do not agree on the potential impact of this missense change (SIFT: "Deleterious"; PolyPhen-2: "Benign"; Align-GVGD: "Class C0"). In summary, the available evidence is currently insufficient to determine the role of this variant in disease. Therefore, it has been classified as a Variant of Uncertain Significance.

Blueprint Genetics
Classification: Uncertain significance. Last evaluated: 2021-12-28. Review status: criteria provided, single submitter. Criteria: ACMG Guidelines, 2015. Collection method: clinical testing. Allele origin: germline.